The following is an entry in ClinVar:

ClinVar aggregate classification (germline): Benign (1 of 4 stars; one submission).

Allele frequency attached by ClinVar (database versions not stated): 1000 Genomes Project 0.08706; gnomAD 0.08299 and 0.08559; TOPMed 0.08532; 1000 Genomes Project 30x 0.08682.

Submission:

GeneDx
Classification: Benign. Last evaluated: 2018-06-14. Review status: criteria provided, single submitter. Criteria: GeneDx Variant Classification (06012015). Collection method: clinical testing. Allele origin: germline. Affected: yes.
Comment: This variant is considered likely benign or benign based on one or more of the following criteria: it is a conservative change, it occurs at a poorly conserved position in the protein, it is predicted to be benign by multiple in silico algorithms, and/or has population frequency not consistent with disease.

NM_000093.5(COL5A1):c.2592+209T>C

Gene: COL5A1 (collagen type V alpha 1 chain; plus strand). Cytogenetic location: 9q34.3.
Variant type: single nucleotide variant.
Coding change: c.2592+209T>C on transcript NM_000093.5 (MANE Select); 209 bases into the intron after coding-DNA position 2592, T replaced by C.
Molecular consequence: intron variant.
Genome position (GRCh38, 1-based): chr9:134,785,305, T>C. VCF-style: chr9-134785305-T-C. GRCh37 (hg19) VCF-style: chr9-137677151-T-C.
Other names: c.2592+209T>C (NM_001278074.1).
Identifiers: ClinVar variation 674679 (VCV000674679.1), dbSNP rs12005214, ClinGen allele CA201105267.
Genomic context (GRCh38, chr9:134,785,305, plus strand): 5'-CTGCTGTTCCTATGAAGCTGTTGGTTGAATGATGACCCTTTCCTTGTCCCGGGTTCGCCC[T>C]TTCCCAGCCCTCCACCATCGCCTTGGAAGGCTCCTTCCTCCCGGTGGCTACAAAGCCTGC-3'